The following is an entry in ClinVar:

ClinVar aggregate classification (germline): Uncertain significance (1 of 4 stars; one submission).

Conditions:
Hereditary cancer-predisposing syndrome. Also called: Hereditary Cancer Syndrome; Hereditary neoplastic syndrome; Neoplastic Syndromes, Hereditary; Tumor predisposition. Identifiers: Orphanet 140162, MedGen C0027672, MeSH D009386, MONDO:0015356.

Submission:

Ambry Genetics
Classification: Uncertain significance for Hereditary cancer-predisposing syndrome. Last evaluated: 2025-07-07. Review status: criteria provided, single submitter. Criteria: Ambry Variant Classification Scheme 2023. Collection method: clinical testing. Allele origin: germline.
Comment: The p.S181T variant (also known as c.541T>A), located in coding exon 6 of the BRCA2 gene, results from a T to A substitution at nucleotide position 541. The serine at codon 181 is replaced by threonine, an amino acid with similar properties. This amino acid position is well conserved in available vertebrate species. In addition, this alteration is predicted to be tolerated by in silico analysis. Based on the available evidence, the clinical significance of this variant remains unclear.

NM_000059.4(BRCA2):c.541T>A (p.Ser181Thr)

Gene: BRCA2 (BRCA2 DNA repair associated; plus strand). Cytogenetic location: 13q13.1.
Variant type: single nucleotide variant.
Coding change: c.541T>A on transcript NM_000059.4 (MANE Select); coding-DNA position 541, T replaced by A.
Protein change: p.Ser181Thr; replaces serine 181 with threonine.
Molecular consequence: missense variant. On other transcripts: non-coding transcript variant (1).
Genome position (GRCh38, 1-based): chr13:32,326,523, T>A. VCF-style: chr13-32326523-T-A. GRCh37 (hg19) VCF-style: chr13-32900660-T-A.
Other names: c.541T>A, p.Ser181Thr (NM_001406719.1, NM_001406720.1, NM_001406721.1 and 1 more transcripts); c.172T>A, p.Ser58Thr (NM_001406722.1); short protein forms S58T, S181T.
Identifiers: ClinVar variation 4215849 (VCV004215849.1).